The following is an entry in ClinVar:

NM_001035.3(RYR2):c.13617T>G (p.Ser4539Arg)

Gene: RYR2 (ryanodine receptor 2; plus strand). Cytogenetic location: 1q43.
Variant type: single nucleotide variant.
Coding change: c.13617T>G on transcript NM_001035.3 (MANE Select); coding-DNA position 13617, T replaced by G.
Protein change: p.Ser4539Arg; replaces serine 4539 with arginine.
Molecular consequence: missense variant.
Genome position (GRCh38, 1-based): chr1:237,792,158, T>G. VCF-style: chr1-237792158-T-G. GRCh37 (hg19) VCF-style: chr1-237955458-T-G.
Other names: c.13617T>G, p.Ser4539Arg (LRG_402t1); short protein forms S4539R.
Identifiers: ClinVar variation 519294 (VCV000519294.10), dbSNP rs1553327067, ClinGen allele CA345417364.

ClinVar aggregate classification (germline): Uncertain significance. Review status: criteria provided, multiple submitters, no conflicts (2 of 4 stars). 2 submissions from 2 submitters: Uncertain significance (2). Last evaluated 2023-05-04.

Conditions:
Cardiovascular phenotype. Identifiers: MedGen CN230736.
Catecholaminergic polymorphic ventricular tachycardia 1. Also called: RYR2-Related Catecholaminergic Polymorphic Ventricular Tachycardia; VENTRICULAR TACHYCARDIA, CATECHOLAMINERGIC POLYMORPHIC, 1, WITH OR WITHOUT ATRIAL DYSFUNCTION AND/OR DILATED CARDIOMYOPATHY; VENTRICULAR TACHYCARDIA, STRESS-INDUCED POLYMORPHIC 1. Identifiers: Orphanet 3286, MedGen C1631597, MONDO:0011484, OMIM 604772.

Submissions (2):

Labcorp Genetics (formerly Invitae), Labcorp
Classification: Uncertain significance for Catecholaminergic polymorphic ventricular tachycardia 1. Last evaluated: 2023-05-04. Review status: criteria provided, single submitter. Criteria: Invitae Variant Classification Sherloc (09022015). Collection method: clinical testing. Allele origin: germline.
Comment: This sequence change replaces serine, which is neutral and polar, with arginine, which is basic and polar, at codon 4539 of the RYR2 protein (p.Ser4539Arg). This variant is not present in population databases (gnomAD no frequency). In summary, the available evidence is currently insufficient to determine the role of this variant in disease. Therefore, it has been classified as a Variant of Uncertain Significance. Advanced modeling of protein sequence and biophysical properties (such as structural, functional, and spatial information, amino acid conservation, physicochemical variation, residue mobility, and thermodynamic stability) performed at Invitae indicates that this missense variant is not expected to disrupt RYR2 protein function. ClinVar contains an entry for this variant (Variation ID: 519294). This variant has not been reported in the literature in individuals affected with RYR2-related conditions.

Ambry Genetics
Classification: Uncertain significance for Cardiovascular phenotype. Last evaluated: 2016-07-12. Review status: criteria provided, single submitter. Criteria: Ambry Variant Classification Scheme 2023. Collection method: clinical testing. Allele origin: germline.
Comment: The p.S4539R variant (also known as c.13617T>G), located in coding exon 94 of the RYR2 gene, results from a T to G substitution at nucleotide position 13617. The serine at codon 4539 is replaced by arginine, an amino acid with dissimilar properties. This amino acid position is not well conserved in available vertebrate species. In addition, this alteration is predicted to be tolerated by in silico analysis. Since supporting evidence is limited at this time, the clinical significance of this alteration remains unclear.